The following is an entry in ClinVar:

ClinVar aggregate classification (germline): Uncertain significance (1 of 4 stars; one submission).

Conditions:
Autosomal dominant nocturnal frontal lobe epilepsy 5. Also called: Epilepsy, nocturnal frontal lobe, 5; KCNT1-Related Epilepsy; CILIARY DYSKINESIA, PRIMARY, 28, WITHOUT SITUS INVERSUS; CILIARY DYSKINESIA, PRIMARY, 28, WITH SITUS INVERSUS. Identifiers: Orphanet 98784, MedGen C3554306, MONDO:0014002, OMIM 615005.
Developmental and epileptic encephalopathy, 14 (DEE14). Also called: Early infantile epileptic encephalopathy 14. Identifiers: Orphanet 293181, MedGen C3554195, MONDO:0013989, OMIM 614959.

Allele frequency attached by ClinVar (database versions not stated): gnomAD exomes below 0.00001; TOPMed below 0.00001; gnomAD 0.00001.
gnomAD v4.1: 6 of 1,596,860 alleles (0.00038%); highest among the groups gnomAD compares: African/African-American, 0.008%; no homozygotes.

Submission:

Labcorp Genetics (formerly Invitae), Labcorp
Classification: Uncertain significance for Autosomal dominant nocturnal frontal lobe epilepsy 5; Developmental and epileptic encephalopathy, 14. Last evaluated: 2024-10-23. Review status: criteria provided, single submitter. Criteria: Invitae Variant Classification Sherloc (09022015). Collection method: clinical testing. Allele origin: germline.
Comment: This sequence change replaces leucine, which is neutral and non-polar, with valine, which is neutral and non-polar, at codon 1104 of the KCNT1 protein (p.Leu1104Val). This variant is present in population databases (no rsID available, gnomAD 0.009%). This variant has not been reported in the literature in individuals affected with KCNT1-related conditions. ClinVar contains an entry for this variant (Variation ID: 655649). Invitae Evidence Modeling of protein sequence and biophysical properties (such as structural, functional, and spatial information, amino acid conservation, physicochemical variation, residue mobility, and thermodynamic stability) indicates that this missense variant is not expected to disrupt KCNT1 protein function with a negative predictive value of 80%. In summary, the available evidence is currently insufficient to determine the role of this variant in disease. Therefore, it has been classified as a Variant of Uncertain Significance.

NM_020822.3(KCNT1):c.3310C>G (p.Leu1104Val)

Gene: KCNT1 (potassium sodium-activated channel subfamily T member 1; plus strand). Cytogenetic location: 9q34.3.
Variant type: single nucleotide variant.
Coding change: c.3310C>G on transcript NM_020822.3 (MANE Select); coding-DNA position 3310, C replaced by G.
Protein change: p.Leu1104Val; replaces leucine 1104 with valine.
Molecular consequence: missense variant.
Genome position (GRCh38, 1-based): chr9:135,786,329, C>G. VCF-style: chr9-135786329-C-G. GRCh37 (hg19) VCF-style: chr9-138678175-C-G.
Other names: c.3175C>G, p.Leu1059Val (NM_001272003.2); short protein forms L1104V, L1059V.
Identifiers: ClinVar variation 655649 (VCV000655649.9), dbSNP rs996610690, ClinGen allele CA201424048.